The following is an entry in ClinVar:

ClinVar aggregate classification (germline): Uncertain significance (1 of 4 stars; one submission).

Conditions:
Inborn genetic diseases. Identifiers: MedGen C0950123, MeSH D030342.

Submission:

Ambry Genetics
Classification: Uncertain significance for Inborn genetic diseases. Last evaluated: 2026-06-21. Review status: criteria provided, single submitter. Criteria: Ambry Variant Classification Scheme 2023. Collection method: clinical testing. Allele origin: germline.
Comment: The p.D140E variant (also known as c.420T>G), located in coding exon 3 of the MBD4 gene, results from a T to G substitution at nucleotide position 420. The aspartic acid at codon 140 is replaced by glutamic acid, an amino acid with highly similar properties. This amino acid position is conserved. In addition, the in silico prediction for this alteration is inconclusive. Based on the available evidence, the clinical significance of this variant remains unclear.

NM_001276270.2(MBD4):c.420T>G (p.Asp140Glu)

Gene: MBD4 (methyl-CpG binding domain 4, DNA glycosylase; minus strand). Cytogenetic location: 3q21.3.
Variant type: single nucleotide variant.
Coding change: c.420T>G on transcript NM_001276270.2 (MANE Select); coding-DNA position 420, T replaced by G.
Protein change: p.Asp140Glu; replaces aspartic acid 140 with glutamic acid.
Molecular consequence: missense variant. On other transcripts: intron variant (1).
Genome position (GRCh38, 1-based): chr3:129,437,224, A>C on the plus strand (T>G on the coding strand, the complement: MBD4 is on the minus strand). VCF-style: chr3-129437224-A-C. GRCh37 (hg19) VCF-style: chr3-129156067-A-C.
Other names: c.420T>G, p.Asp140Glu (NM_001276271.2, NM_001276272.2, NM_003925.3); c.247+584T>G (NM_001276273.2); short protein forms D140E.
Identifiers: ClinVar variation 5024005 (VCV005024005.1).